The following is an entry in ClinVar:

ClinVar aggregate classification (germline): Uncertain significance (1 of 4 stars; one submission).

Submission:

Labcorp Genetics (formerly Invitae), Labcorp
Classification: Uncertain significance. Last evaluated: 2024-11-14. Review status: criteria provided, single submitter. Criteria: Invitae Variant Classification Sherloc (09022015). Collection method: clinical testing. Allele origin: germline.
Comment: This sequence change replaces glutamic acid, which is acidic and polar, with lysine, which is basic and polar, at codon 204 of the ITGAM protein (p.Glu204Lys). This variant is not present in population databases (gnomAD no frequency). This variant has not been reported in the literature in individuals affected with ITGAM-related conditions. An algorithm developed to predict the effect of missense changes on protein structure and function outputs the following: PolyPhen-2: "Benign". The lysine amino acid residue is found in multiple mammalian species, which suggests that this missense change does not adversely affect protein function. In summary, the available evidence is currently insufficient to determine the role of this variant in disease. Therefore, it has been classified as a Variant of Uncertain Significance.

NM_000632.4(ITGAM):c.610G>A (p.Glu204Lys)

Gene: ITGAM (integrin subunit alpha M; plus strand). Cytogenetic location: 16p11.2.
Variant type: single nucleotide variant.
Coding change: c.610G>A on transcript NM_000632.4 (MANE Select); coding-DNA position 610, G replaced by A.
Protein change: p.Glu204Lys; replaces glutamic acid 204 with lysine.
Molecular consequence: missense variant.
Genome position (GRCh38, 1-based): chr16:31,271,898, G>A. VCF-style: chr16-31271898-G-A. GRCh37 (hg19) VCF-style: chr16-31283219-G-A.
Other names: c.610G>A, p.Glu204Lys (NM_001145808.2); short protein forms E204K.
Identifiers: ClinVar variation 3725276 (VCV003725276.2).